The following is an entry in ClinVar:

ClinVar aggregate classification (germline): Uncertain significance. Review status: criteria provided, multiple submitters, no conflicts (2 of 4 stars). 2 submissions from 2 submitters: Uncertain significance (2). Last evaluated 2024-01-22.

Conditions:
Autosomal recessive limb-girdle muscular dystrophy type 2K. Also called: MUSCULAR DYSTROPHY, LIMB-GIRDLE, TYPE 2K; MUSCULAR DYSTROPHY-DYSTROGLYCANOPATHY (LIMB-GIRDLE), TYPE C, 1. Identifiers: Orphanet 86812, MedGen C1836373, MONDO:0012248, OMIM 609308.
Walker-Warburg congenital muscular dystrophy. Also called: Muscular dystrophy-dystroglycanopathy, type A; Walker-Warburg syndrome. Identifiers: Orphanet 899, MedGen C0265221, MONDO:0000171.
Muscular dystrophy-dystroglycanopathy (congenital with impaired intellectual development), type B, 1. Also called: Muscular dystrophy-dystroglycanopathy (congenital with intellectual disability), type B1; MUSCULAR DYSTROPHY, CONGENITAL, POMT1-RELATED. Identifiers: MedGen C5436962, MONDO:0013159, OMIM 613155.

Allele frequency attached by ClinVar (database versions not stated): gnomAD exomes below 0.00001 and 0.00001; TOPMed 0.00002; ExAC 0.00002; gnomAD 0.00002.
gnomAD v4.1: 6 of 1,613,752 alleles (0.00037%); highest among the groups gnomAD compares: African/African-American, 0.008%; no homozygotes.

Submissions (2):

Labcorp Genetics (formerly Invitae), Labcorp
Classification: Uncertain significance for Muscular dystrophy-dystroglycanopathy (congenital with impaired intellectual development), type B, 1; Walker-Warburg congenital muscular dystrophy; Autosomal recessive limb-girdle muscular dystrophy type 2K. Last evaluated: 2024-01-22. Review status: criteria provided, single submitter. Criteria: Invitae Variant Classification Sherloc (09022015). Collection method: clinical testing. Allele origin: germline.
Comment: This sequence change replaces alanine, which is neutral and non-polar, with threonine, which is neutral and polar, at codon 632 of the POMT1 protein (p.Ala632Thr). This variant is present in population databases (rs773190071, gnomAD 0.02%). This variant has not been reported in the literature in individuals affected with POMT1-related conditions. ClinVar contains an entry for this variant (Variation ID: 448112). Algorithms developed to predict the effect of missense changes on protein structure and function output the following: SIFT: "Not Available"; PolyPhen-2: "Benign"; Align-GVGD: "Not Available". The threonine amino acid residue is found in multiple mammalian species, which suggests that this missense change does not adversely affect protein function. In summary, the available evidence is currently insufficient to determine the role of this variant in disease. Therefore, it has been classified as a Variant of Uncertain Significance.

Athena Diagnostics
Classification: Uncertain significance. Last evaluated: 2017-06-29. Review status: criteria provided, single submitter. Criteria: Athena Diagnostics Criteria. Collection method: clinical testing. Allele origin: germline.

NM_001077365.2(POMT1):c.1828G>A (p.Ala610Thr)

Gene: POMT1 (protein O-mannosyltransferase 1; plus strand). Cytogenetic location: 9q34.13.
Variant type: single nucleotide variant.
Coding change: c.1828G>A on transcript NM_001077365.2 (MANE Select); coding-DNA position 1828, G replaced by A.
Protein change: p.Ala610Thr; replaces alanine 610 with threonine.
Molecular consequence: missense variant. On other transcripts: non-coding transcript variant (10).
Genome position (GRCh38, 1-based): chr9:131,522,049, G>A. VCF-style: chr9-131522049-G-A. GRCh37 (hg19) VCF-style: chr9-134397436-G-A.
Other names: c.1666G>A, p.Ala556Thr (NM_001077366.2, NM_001353194.2); c.1828G>A, p.Ala610Thr (NM_001136113.2); c.1477G>A, p.Ala493Thr (NM_001136114.2, NM_001353195.2, NM_001374691.1 and 2 more transcripts); c.1894G>A, p.Ala632Thr (NM_001353193.2, NM_007171.4); c.1738G>A, p.Ala580Thr (NM_001353196.2); c.1732G>A, p.Ala578Thr (NM_001353197.2, NM_001353198.2); c.1543G>A, p.Ala515Thr (NM_001353199.2); c.1372G>A, p.Ala458Thr (NM_001353200.2); and 3 more; short protein forms A632T, A458T, A515T, A610T, A556T, A580T, A493T, A578T.
Identifiers: ClinVar variation 448112 (VCV000448112.6), dbSNP rs773190071, ClinGen allele CA5293862.